The following is an entry in ClinVar:

NM_004415.4(DSP):c.6320T>C (p.Val2107Ala)

Gene: DSP (desmoplakin; plus strand). Cytogenetic location: 6p24.3.
Variant type: single nucleotide variant.
Coding change: c.6320T>C on transcript NM_004415.4 (MANE Select); coding-DNA position 6320, T replaced by C.
Protein change: p.Val2107Ala; replaces valine 2107 with alanine.
Molecular consequence: missense variant.
Genome position (GRCh38, 1-based): chr6:7,583,582, T>C. VCF-style: chr6-7583582-T-C. GRCh37 (hg19) VCF-style: chr6-7583815-T-C.
Other names: c.4523T>C, p.Val1508Ala (NM_001008844.3); c.4991T>C, p.Val1664Ala (NM_001319034.2); short protein forms V1508A, V1664A, V2107A.
Identifiers: ClinVar variation 3754979 (VCV003754979.2).

ClinVar aggregate classification (germline): Uncertain significance (1 of 4 stars; one submission).

Conditions:
Arrhythmogenic cardiomyopathy with wooly hair and keratoderma. Also called: Dilated cardiomyopathy with woolly hair and keratoderma; PALMOPLANTAR KERATODERMA WITH LEFT VENTRICULAR CARDIOMYOPATHY AND WOOLLY HAIR; Carvajal syndrome; Arrhythmogenic cardiomyopathy with woolly hair and keratoderma. Identifiers: Orphanet 65282, MedGen C1854063, MONDO:0011581, OMIM 605676.
Arrhythmogenic right ventricular dysplasia 8 (ARVD8). Also called: Arrhythmogenic Right Ventricular Dysplasia/Cardiomyopathy 8; ARRHYTHMOGENIC RIGHT VENTRICULAR DYSPLASIA, FAMILIAL, 8; ARRHYTHMOGENIC RIGHT VENTRICULAR CARDIOMYOPATHY 8. Identifiers: MedGen C1843896, MONDO:0011831, OMIM 607450.

Submission:

Labcorp Genetics (formerly Invitae), Labcorp
Classification: Uncertain significance for Arrhythmogenic cardiomyopathy with wooly hair and keratoderma; Arrhythmogenic right ventricular dysplasia 8. Last evaluated: 2024-03-04. Review status: criteria provided, single submitter. Criteria: Invitae Variant Classification Sherloc (09022015). Collection method: clinical testing. Allele origin: germline.
Comment: This sequence change replaces valine, which is neutral and non-polar, with alanine, which is neutral and non-polar, at codon 2107 of the DSP protein (p.Val2107Ala). This variant is not present in population databases (gnomAD no frequency). This variant has not been reported in the literature in individuals affected with DSP-related conditions. An algorithm developed to predict the effect of missense changes on protein structure and function (PolyPhen-2) suggests that this variant is likely to be tolerated. In summary, the available evidence is currently insufficient to determine the role of this variant in disease. Therefore, it has been classified as a Variant of Uncertain Significance.